The following is an entry in ClinVar:

NM_001145026.2(PTPRQ):c.523del (p.Trp175fs)

Gene: PTPRQ (protein tyrosine phosphatase receptor type Q; plus strand). Cytogenetic location: 12q21.31.
Variant type: Deletion.
Coding change: c.523del on transcript NM_001145026.2 (MANE Select); coding-DNA position 523, one base deleted (T; older notation c.523delT).
Protein change: p.Trp175fs; shifts the reading frame from tryptophan 175.
Molecular consequence: frameshift variant.
Genome position (GRCh38, 1-based): chr12:80,459,346, T deleted; the last of 3 consecutive T bases (chr12:80,459,344-80,459,346); deleting any one gives the same sequence. VCF-style (leftmost placement, unchanged base first): chr12-80459343-AT-A. GRCh37 (hg19) VCF-style: chr12-80850830-CA-C.
Other names: short protein forms W175fs.
Identifiers: ClinVar variation 1313249 (VCV001313249.2), dbSNP rs1177141499, ClinGen allele CA692370030.

ClinVar aggregate classification (germline): Uncertain significance (1 of 4 stars; one submission).

Submission:

GeneDx
Classification: Uncertain significance. Last evaluated: 2020-12-14. Review status: criteria provided, single submitter. Criteria: GeneDx Variant Classification Process June 2021. Collection method: clinical testing. Allele origin: germline. Affected: yes.
Comment: Frameshift variant predicted to result in protein truncation or nonsense mediated decay in a gene for which loss-of-function is a known mechanism of disease; Has not been previously published as pathogenic or benign to our knowledge; No data available from control populations to assess the frequency of this variant